The following is an entry in ClinVar:

NM_001393769.1(MED12L):c.50C>T (p.Pro17Leu)

Gene: MED12L (mediator complex subunit 12L; plus strand). Cytogenetic location: 3q25.1.
Variant type: single nucleotide variant.
Coding change: c.50C>T on transcript NM_001393769.1 (MANE Select); coding-DNA position 50, C replaced by T.
Protein change: p.Pro17Leu; replaces proline 17 with leucine.
Molecular consequence: missense variant.
Genome position (GRCh38, 1-based): chr3:151,086,976, C>T. VCF-style: chr3-151086976-C-T. GRCh37 (hg19) VCF-style: chr3-150804763-C-T.
Other names: c.50C>T, p.Pro17Leu (NM_053002.6); short protein forms P17L.
Identifiers: ClinVar variation 3371207 (VCV003371207.1).

ClinVar aggregate classification (germline): Uncertain significance (1 of 4 stars; one submission).

Submission:

GeneDx
Classification: Uncertain significance. Last evaluated: 2024-03-21. Review status: criteria provided, single submitter. Criteria: GeneDx Variant Classification Process June 2021. Collection method: clinical testing. Allele origin: germline. Affected: yes.
Comment: Not observed at significant frequency in large population cohorts (gnomAD); In silico analysis supports that this missense variant has a deleterious effect on protein structure/function; Has not been previously published as pathogenic or benign to our knowledge